The following is an entry in ClinVar:

NM_001320714.2(DOP1B):c.6864C>T (p.Ile2288=)

Gene: DOP1B (DOP1 leucine zipper like protein B; plus strand). Cytogenetic location: 21q22.12.
Variant type: single nucleotide variant.
Coding change: c.6864C>T on transcript NM_001320714.2 (MANE Select); coding-DNA position 6864, C replaced by T.
Protein change: p.Ile2288=; no amino-acid change (isoleucine 2288 retained).
Molecular consequence: synonymous variant.
Genome position (GRCh38, 1-based): chr21:36,293,538, C>T. VCF-style: chr21-36293538-C-T. GRCh37 (hg19) VCF-style: chr21-37665836-C-T.
Other names: c.6864C>T, p.Ile2288= (NM_005128.4).
Identifiers: ClinVar variation 2652645 (VCV002652645.24), dbSNP rs61752552, ClinGen allele CA10017921.

ClinVar aggregate classification (germline): Likely benign (1 of 4 stars; one submission).

Allele frequency attached by ClinVar (database versions not stated): 1000 Genomes Project 30x 0.00062; 1000 Genomes Project 0.00080; ESP Exome Variant Server 0.00085; TOPMed 0.00085; gnomAD 0.00104; ExAC 0.00112; gnomAD exomes 0.00134.
gnomAD v4.1: 2,091 of 1,614,028 alleles (0.13%); highest among the groups gnomAD compares: South Asian, 0.16%; 8 homozygotes.

Submission:

CeGaT Center for Human Genetics Tuebingen
Classification: Likely benign. Last evaluated: 2023-03-01. Review status: criteria provided, single submitter. Criteria: CeGaT Center For Human Genetics Tuebingen Variant Classification Criteria Version 2. Collection method: clinical testing. Allele origin: germline. Affected: yes. Observed: 1 variant allele.
Comment: DOP1B: BP4, BP7